The following is an entry in ClinVar:

ClinVar aggregate classification (germline): Uncertain significance. Review status: criteria provided, multiple submitters, no conflicts (2 of 4 stars). 2 submissions from 2 submitters: Uncertain significance (2). Last evaluated 2022-02-18.

Conditions:
Focal segmental glomerulosclerosis 5 (FSGS5). Identifiers: Orphanet 656, MedGen C2750475, MONDO:0013191, OMIM 613237.
Charcot-Marie-Tooth disease dominant intermediate E. Also called: CHARCOT-MARIE-TOOTH NEUROPATHY WITH FOCAL SEGMENTAL GLOMERULONEPHRITIS. Identifiers: Orphanet 93114, MedGen C4302667, MONDO:0013758, OMIM 614455.

Allele frequency attached by ClinVar (database versions not stated): gnomAD exomes 0.00001; TOPMed 0.00002; gnomAD 0.00003 and 0.00004.
gnomAD v4.1: 19 of 1,613,538 alleles (0.0012%); highest among the groups gnomAD compares: African/African-American, 0.004%; no homozygotes.

Submissions (2):

Fulgent Genetics
Classification: Uncertain significance for Focal segmental glomerulosclerosis 5; Charcot-Marie-Tooth disease dominant intermediate E. Last evaluated: 2022-02-18. Review status: criteria provided, single submitter. Criteria: ACMG Guidelines, 2015. Collection method: clinical testing. Allele origin: unknown.

Labcorp Genetics (formerly Invitae), Labcorp
Classification: Uncertain significance for Charcot-Marie-Tooth disease dominant intermediate E; Focal segmental glomerulosclerosis 5. Last evaluated: 2021-10-19. Review status: criteria provided, single submitter. Criteria: Invitae Variant Classification Sherloc (09022015). Collection method: clinical testing. Allele origin: germline.
Comment: This variant has not been reported in the literature in individuals affected with INF2-related conditions. In summary, the available evidence is currently insufficient to determine the role of this variant in disease. Therefore, it has been classified as a Variant of Uncertain Significance. Algorithms developed to predict the effect of sequence changes on RNA splicing suggest that this variant may create or strengthen a splice site. Algorithms developed to predict the effect of missense changes on protein structure and function output the following: SIFT: "Tolerated"; PolyPhen-2: "Not Available"; Align-GVGD: "Class C0". The glutamic acid amino acid residue is found in multiple mammalian species, which suggests that this missense change does not adversely affect protein function. This variant is not present in population databases (ExAC no frequency). This sequence change replaces lysine with glutamic acid at codon 1243 of the INF2 protein (p.Lys1243Glu). The lysine residue is moderately conserved and there is a small physicochemical difference between lysine and glutamic acid.

NM_022489.4(INF2):c.3727A>G (p.Lys1243Glu)

Gene: INF2 (inverted formin 2; plus strand). Cytogenetic location: 14q32.33.
Variant type: single nucleotide variant.
Coding change: c.3727A>G on transcript NM_022489.4 (MANE Select); coding-DNA position 3727, A replaced by G.
Protein change: p.Lys1243Glu; replaces lysine 1243 with glutamic acid.
Molecular consequence: missense variant. On other transcripts: intron variant (1).
Genome position (GRCh38, 1-based): chr14:104,715,316, A>G. VCF-style: chr14-104715316-A-G. GRCh37 (hg19) VCF-style: chr14-105181653-A-G.
Other names: c.3694+460A>G (NM_001031714.4); short protein forms K1243E.
Identifiers: ClinVar variation 847715 (VCV000847715.8), dbSNP rs1026924897, ClinGen allele CA267331220.